The following is an entry in ClinVar:

NM_000719.7(CACNA1C):c.-2C>T

Gene: CACNA1C (calcium voltage-gated channel subunit alpha1 C; plus strand). Cytogenetic location: 12p13.33.
Variant type: single nucleotide variant.
Coding change: c.-2C>T on transcript NM_000719.7 (MANE Select); 2 bases upstream of the start codon, C replaced by T.
Molecular consequence: 5 prime UTR variant.
Genome position (GRCh38, 1-based): chr12:2,053,561, C>T. VCF-style: chr12-2053561-C-T. GRCh37 (hg19) VCF-style: chr12-2162727-C-T.
Other names: c.-2C>T (NM_001129835.2, NM_001129836.2, NM_001129837.2 and 19 more transcripts).
Identifiers: ClinVar variation 2439645 (VCV002439645.5), dbSNP rs536361695, ClinGen allele CA602885891.

ClinVar aggregate classification (germline): Uncertain significance. Review status: criteria provided, multiple submitters, no conflicts (2 of 4 stars). 2 submissions from 2 submitters: Uncertain significance (2). Last evaluated 2023-05-12.

Conditions:
Cardiovascular phenotype. Identifiers: MedGen CN230736.

Allele frequency attached by ClinVar (database versions not stated): gnomAD exomes 0.00001.
gnomAD v4.1: 20 of 1,594,260 alleles (0.0013%); highest among the groups gnomAD compares: South Asian, 0.0092%; no homozygotes.

Submissions (2):

Ambry Genetics
Classification: Uncertain significance for Cardiovascular phenotype. Last evaluated: 2023-05-12. Review status: criteria provided, single submitter. Criteria: Ambry Variant Classification Scheme 2023. Collection method: clinical testing. Allele origin: germline.
Comment: The c.-2C>T variant is located in the 5' untranslated region (5&rsquo;UTR) of the CACNA1C gene. This variant results from a C to T substitution two nucleotides upstream from the first translated codon. This nucleotide position is well conserved in available vertebrate species. According to data from gnomAD, the frequency for this variant is above the maximum credible frequency for a cardiac disease-causing variant in this gene based on internally established thresholds (Karczewski et al. Nature. 2020 May;581(7809):434-443; Whiffin et al. Genet Med. 2017 10;19:1151-1158). Based on the supporting evidence, the association of this alteration with CACNA1C-related neurodevelopmental disorder is unknown; however, the association of this alteration with CACNA1C-related long QT syndrome or Timothy syndrome is unlikely.

Revvity Omics, Revvity
Classification: Uncertain significance. Last evaluated: 2020-12-03. Review status: criteria provided, single submitter. Criteria: ACMG Guidelines, 2015. Collection method: clinical testing. Allele origin: germline.